The following is an entry in ClinVar:

NM_024652.6(LRRK1):c.5619C>T (p.Thr1873=)

Genes: LRRK1 (leucine rich repeat kinase 1; plus strand), LRRK1-AS1 (LRRK1 antisense RNA 1; minus strand). Cytogenetic location: 15q26.3.
Variant type: single nucleotide variant.
Coding change: c.5619C>T on transcript NM_024652.6 (MANE Select); coding-DNA position 5619, C replaced by T.
Protein change: p.Thr1873=; no amino-acid change (threonine 1873 retained).
Molecular consequence: synonymous variant.
Genome position (GRCh38, 1-based): chr15:101,066,056, C>T. VCF-style: chr15-101066056-C-T. GRCh37 (hg19) VCF-style: chr15-101606261-C-T.
Other names: c.5619C>T (NM_024652.5).
Identifiers: ClinVar variation 1574345 (VCV001574345.11), dbSNP rs3764739, ClinGen allele CA7762184.

ClinVar aggregate classification (germline): Benign. Review status: criteria provided, multiple submitters, no conflicts (2 of 4 stars). 3 submissions from 3 submitters: Benign (2). 1 of the submissions does not count toward it. Last evaluated 2026-02-02.

Conditions:
LRRK1-related disorder. Also called: LRRK1-related condition.

Allele frequency attached by ClinVar (database versions not stated): gnomAD 0.08496 and 0.07911; TOPMed 0.08728; ESP Exome Variant Server 0.05074; 1000 Genomes Project 0.14617; ExAC 0.11680; 1000 Genomes Project 30x 0.14194; gnomAD exomes 0.08369 and 0.12583.
gnomAD v4.1: 135,939 of 1,614,034 alleles (8.4%); highest among the groups gnomAD compares: East Asian, 33%; 8,757 homozygotes.

Submissions (3):

Labcorp Genetics (formerly Invitae), Labcorp
Classification: Benign. Last evaluated: 2026-02-02. Review status: criteria provided, single submitter. Criteria: Invitae Variant Classification Sherloc (09022015). Collection method: clinical testing. Allele origin: germline.

Breakthrough Genomics
Classification: Benign. Review status: criteria provided, single submitter. Criteria: ACMG Guidelines, 2015. Collection method: not provided. Allele origin: germline. Inheritance: Autosomal recessive inheritance. Affected: yes.

PreventionGenetics, part of Exact Sciences
Classification: Benign for LRRK1-related condition. Last evaluated: 2019-02-21. Review status: no assertion criteria provided. Collection method: clinical testing. Allele origin: germline. Not counted in ClinVar's aggregate classification.
Comment: This variant is classified as benign based on ACMG/AMP sequence variant interpretation guidelines (Richards et al. 2015 PMID: 25741868, with internal and published modifications).